The following is an entry in ClinVar:

NM_020884.7(MYH7B):c.4626C>T (p.Gly1542=)

Gene: MYH7B (myosin heavy chain 7B; plus strand). Cytogenetic location: 20q11.22.
Variant type: single nucleotide variant.
Coding change: c.4626C>T on transcript NM_020884.7 (MANE Select); coding-DNA position 4626, C replaced by T.
Protein change: p.Gly1542=; no amino-acid change (glycine 1542 retained).
Molecular consequence: synonymous variant.
Genome position (GRCh38, 1-based): chr20:34,999,656, C>T. VCF-style: chr20-34999656-C-T. GRCh37 (hg19) VCF-style: chr20-33587459-C-T.
Identifiers: ClinVar variation 717579 (VCV000717579.12), dbSNP rs76211559, ClinGen allele CA9828175.

ClinVar aggregate classification (germline): Benign. Review status: criteria provided, single submitter (1 of 4 stars). 2 submissions from 2 submitters: Benign (1). 1 of the submissions does not count toward it. Last evaluated 2026-01-06.

Conditions:
MYH7B-related disorder. Also called: MYH7B-related condition.

Allele frequency attached by ClinVar (database versions not stated): gnomAD 0.00713 and 0.00761; ESP Exome Variant Server 0.00719; TOPMed 0.00796; 1000 Genomes Project 0.00839; 1000 Genomes Project 30x 0.00874.
gnomAD v4.1: 2,005 of 1,613,342 alleles (0.12%); highest among the groups gnomAD compares: African/African-American, 2.4%; 27 homozygotes.

Submissions (5):

Labcorp Genetics (formerly Invitae), Labcorp
Classification: Benign. Last evaluated: 2026-01-06. Review status: criteria provided, single submitter. Criteria: Invitae Variant Classification Sherloc (09022015). Collection method: clinical testing. Allele origin: germline.

PreventionGenetics, part of Exact Sciences
Classification: Benign for MYH7B-related condition. Last evaluated: 2024-04-05. Review status: no assertion criteria provided. Collection method: clinical testing. Allele origin: germline. Not counted in ClinVar's aggregate classification.
Comment: This variant is classified as benign based on ACMG/AMP sequence variant interpretation guidelines (Richards et al. 2015 PMID: 25741868, with internal and published modifications).

Dr. Peter K. Rogan Lab, Western University
No classification provided (evidence only). Condition: Clear cell carcinoma of kidney. Review status: no classification provided. Collection method: in vitro. Allele origin: not applicable. Functional consequence: retained intron. Not counted in ClinVar's aggregate classification.

Dr. Peter K. Rogan Lab, Western University
No classification provided (evidence only). Condition: Acute myeloid leukemia. Review status: no classification provided. Collection method: in vitro. Allele origin: not applicable. Functional consequence: retained intron. Not counted in ClinVar's aggregate classification.

Dr. Peter K. Rogan Lab, Western University
No classification provided (evidence only). Condition: Sarcoma. Review status: no classification provided. Collection method: in vitro. Allele origin: not applicable. Functional consequence: skipped exon. Not counted in ClinVar's aggregate classification.